The following is an entry in ClinVar:

ClinVar aggregate classification (germline): Uncertain significance (1 of 4 stars; one submission).

Submission:

Ambry Genetics
Classification: Uncertain significance. Last evaluated: 2025-11-11. Review status: criteria provided, single submitter. Criteria: Ambry Variant Classification Scheme 2023. Collection method: clinical testing. Allele origin: germline.
Comment: The p.F422L variant (also known as c.1266T>A), located in coding exon 9 of the RINT1 gene, results from a T to A substitution at nucleotide position 1266. The phenylalanine at codon 422 is replaced by leucine, an amino acid with highly similar properties. This amino acid position is conserved. In addition, this alteration is predicted to be tolerated by in silico analysis. Based on the available evidence, the clinical significance of this variant remains unclear.

NM_021930.6(RINT1):c.1266T>A (p.Phe422Leu)

Gene: RINT1 (RAD50 interactor 1; plus strand). Cytogenetic location: 7q22.3.
Variant type: single nucleotide variant.
Coding change: c.1266T>A on transcript NM_021930.6 (MANE Select); coding-DNA position 1266, T replaced by A.
Protein change: p.Phe422Leu; replaces phenylalanine 422 with leucine.
Molecular consequence: missense variant. On other transcripts: non-coding transcript variant (1).
Genome position (GRCh38, 1-based): chr7:105,550,419, T>A. VCF-style: chr7-105550419-T-A. GRCh37 (hg19) VCF-style: chr7-105190866-T-A.
Other names: c.1032T>A, p.Phe344Leu (NM_001346599.2); c.243T>A, p.Phe81Leu (NM_001346600.2, NM_001346603.2); c.342T>A, p.Phe114Leu (NM_001346601.2); short protein forms F114L, F422L, F81L, F344L.
Identifiers: ClinVar variation 4578223 (VCV004578223.1).
Genomic context (GRCh38, chr7:105,550,419, plus strand): 5'-GGATGAAGTACTCTTGTTTGAAAGGGAGCTACACAGTGTTCATGGCTATCCTGGCACTTT[T>A]GCTAGTTGTATGCATATTCTATCAGAGGAAACCTGTTTTCAGAGATGGTTGACGGTGGAG-3'
Protein context (NP_068749.3, residues 412-432): LHSVHGYPGT[Phe422Leu]ASCMHILSEE